The following is an entry in ClinVar:

NM_001048174.2(MUTYH):c.1452G>C (p.Gln484His)

Gene: MUTYH (mutY DNA glycosylase; minus strand). Cytogenetic location: 1p34.1.
Variant type: single nucleotide variant.
Coding change: c.1452G>C on transcript NM_001048174.2 (MANE Select); coding-DNA position 1452, G replaced by C.
Protein change: p.Gln484His; replaces glutamine 484 with histidine.
Molecular consequence: missense variant. On other transcripts: non-coding transcript variant (7).
Genome position (GRCh38, 1-based): chr1:45,329,420, C>G on the plus strand (G>C on the coding strand, the complement: MUTYH is on the minus strand). VCF-style: chr1-45329420-C-G. GRCh37 (hg19) VCF-style: chr1-45795092-C-G.
Other names: c.1452G>C, p.Gln484His (NM_001048171.2, NM_001048173.2, NM_001407070.1 and 6 more transcripts); c.1455G>C, p.Gln485His (NM_001048172.2, NM_001407071.1, NM_001407078.1 and 1 more transcripts); c.1368G>C, p.Gln456His (NM_001407075.1); c.1485G>C, p.Gln495His (NM_001407077.1, NM_001293191.2, NM_001407069.1); c.1536G>C, p.Gln512His (NM_001128425.2); c.1497G>C, p.Gln499His (NM_001293190.2); c.1413G>C, p.Gln471His (NM_001407079.1); c.1176G>C, p.Gln392His (NM_001293192.2, NM_001293196.2, NM_001407091.1); and 5 more; short protein forms Q392H, Q499H, Q485H, Q491H, Q495H, Q509H, Q456H, Q470H.
Identifiers: ClinVar variation 4113338 (VCV004113338.1).

ClinVar aggregate classification (germline): Uncertain significance (1 of 4 stars; one submission).

Conditions:
Hereditary cancer-predisposing syndrome. Also called: Tumor predisposition; Neoplastic Syndromes, Hereditary; Hereditary neoplastic syndrome; Hereditary Cancer Syndrome. Identifiers: Orphanet 140162, MedGen C0027672, MeSH D009386, MONDO:0015356.

Submission:

Ambry Genetics
Classification: Uncertain significance for Hereditary cancer-predisposing syndrome. Last evaluated: 2025-08-27. Review status: criteria provided, single submitter. Criteria: Ambry Variant Classification Scheme 2023. Collection method: clinical testing. Allele origin: germline.
Comment: The p.Q512H variant (also known as c.1536G>C), located in coding exon 16 of the MUTYH gene, results from a G to C substitution at nucleotide position 1536. The glutamine at codon 512 is replaced by histidine, an amino acid with highly similar properties. This amino acid position is conserved. In addition, this alteration is predicted to be tolerated by in silico analysis. Based on the available evidence, the clinical significance of this variant remains unclear.